The following is an entry in ClinVar:

ClinVar aggregate classification (germline): Uncertain significance (0 of 4 stars; one submission).

Conditions:
MITF-related disorder. Also called: MITF-related condition.

Submission:

PreventionGenetics, part of Exact Sciences
Classification: Uncertain significance for MITF-related condition. Last evaluated: 2024-09-18. Review status: no assertion criteria provided. Collection method: clinical testing. Allele origin: germline.
Comment: The MITF c.524C>A variant is predicted to result in the amino acid substitution p.Pro175Gln. To our knowledge, this variant has not been reported in the literature or in a large population database, indicating this variant is rare. This variant is not reported in ClinVar. At this time, the clinical significance of this variant is uncertain due to the absence of conclusive functional and genetic evidence.

NM_001354604.2(MITF):c.845C>A (p.Pro282Gln)

Gene: MITF (melanocyte inducing transcription factor; plus strand). Cytogenetic location: 3p13.
Variant type: single nucleotide variant.
Coding change: c.845C>A on transcript NM_001354604.2 (MANE Select); coding-DNA position 845, C replaced by A.
Protein change: p.Pro282Gln; replaces proline 282 with glutamine.
Molecular consequence: missense variant.
Genome position (GRCh38, 1-based): chr3:69,949,133, C>A. VCF-style: chr3-69949133-C-A. GRCh37 (hg19) VCF-style: chr3-69998284-C-A.
Other names: c.524C>A, p.Pro175Gln (NM_000248.4, NM_198158.3); c.689C>A, p.Pro230Gln (NM_001184967.2, NM_001354608.2); c.842C>A, p.Pro281Gln (NM_001354605.2, NM_001354606.2, NM_006722.3); c.794C>A, p.Pro265Gln (NM_001354607.2); c.845C>A, p.Pro282Gln (NM_198159.3); c.797C>A, p.Pro266Gln (NM_198177.3); c.356C>A, p.Pro119Gln (NM_198178.3); short protein forms P119Q, P175Q, P230Q, P265Q, P266Q, P281Q, P282Q.
Identifiers: ClinVar variation 3355851 (VCV003355851.1).